The following is an entry in ClinVar:

NM_032830.3(UTP4):c.790C>G (p.Gln264Glu)

Gene: UTP4 (UTP4 small subunit processome component). Cytogenetic location: 16q22.1.
Variant type: single nucleotide variant.
Coding change: c.790C>G on transcript NM_032830.3 (MANE Select); coding-DNA position 790, C replaced by G.
Protein change: p.Gln264Glu; replaces glutamine 264 with glutamic acid.
Molecular consequence: missense variant.
Genome position (GRCh38, 1-based): chr16:69,150,588, C>G. VCF-style: chr16-69150588-C-G. GRCh37 (hg19) VCF-style: chr16-69184491-C-G.
Other names: c.541C>G, p.Gln181Glu (NM_001318391.2); short protein forms Q181E, Q264E.
Identifiers: ClinVar variation 3609223 (VCV003609223.2).

ClinVar aggregate classification (germline): Uncertain significance (1 of 4 stars; one submission).

Submission:

Labcorp Genetics (formerly Invitae), Labcorp
Classification: Uncertain significance. Last evaluated: 2025-08-27. Review status: criteria provided, single submitter. Criteria: Invitae Variant Classification Sherloc (09022015). Collection method: clinical testing. Allele origin: germline.
Comment: This sequence change replaces glutamine, which is neutral and polar, with glutamic acid, which is acidic and polar, at codon 264 of the UTP4 protein (p.Gln264Glu). This variant is not present in population databases (gnomAD no frequency). This variant has not been reported in the literature in individuals affected with UTP4-related conditions. ClinVar contains an entry for this variant (Variation ID: 3609223). Invitae Evidence Modeling of protein sequence and biophysical properties (such as structural, functional, and spatial information, amino acid conservation, physicochemical variation, residue mobility, and thermodynamic stability) indicates that this missense variant is not expected to disrupt UTP4 protein function with a negative predictive value of 80%. In summary, the available evidence is currently insufficient to determine the role of this variant in disease. Therefore, it has been classified as a Variant of Uncertain Significance.